The following is an entry in ClinVar:

ClinVar aggregate classification (germline): Uncertain significance. Review status: criteria provided, multiple submitters, no conflicts (2 of 4 stars). 8 submissions from 8 submitters: Uncertain significance (7). 1 of the submissions does not count toward it. Last evaluated 2025-08-24.

Conditions:
Familial colorectal cancer type X. Identifiers: Orphanet 440437, MedGen C3896578, MONDO:0018604.
Hereditary cancer-predisposing syndrome. Also called: Neoplastic Syndromes, Hereditary; Hereditary Cancer Syndrome; Hereditary neoplastic syndrome; Tumor predisposition. Identifiers: Orphanet 140162, MedGen C0027672, MeSH D009386, MONDO:0015356.
Familial cancer of breast. Also called: Hereditary breast cancer; hereditary breast carcinoma; BREAST CANCER, FAMILIAL. Identifiers: Orphanet 227535, MedGen C0346153, MONDO:0016419, OMIM 114480. Disease mechanism: loss of function.
Ataxia-telangiectasia syndrome (AT). Also called: Cerebello-oculocutaneous telangiectasia; Immunodeficiency with ataxia telangiectasia; Ataxia-telangiectasia, complementation group D; AT, COMPLEMENTATION GROUP C; ATAXIA-TELANGIECTASIA, FRESNO VARIANT; ATAXIA-TELANGIECTASIA, COMPLEMENTATION GROUP A. Identifiers: Orphanet 100, MedGen C0004135, MONDO:0008840, OMIM 208900.

Allele frequency attached by ClinVar (database versions not stated): gnomAD exomes below 0.00001; gnomAD 0.00001; TOPMed 0.00001.
gnomAD v4.1: 4 of 1,613,906 alleles (0.00025%); highest among the groups gnomAD compares: African/African-American, 0.004%; no homozygotes.

Submissions (8):

Ambry Genetics
Classification: Uncertain significance for Hereditary cancer-predisposing syndrome. Last evaluated: 2025-08-24. Review status: criteria provided, single submitter. Criteria: Ambry Variant Classification Scheme 2023. Collection method: clinical testing. Allele origin: germline.

Labcorp Genetics (formerly Invitae), Labcorp
Classification: Uncertain significance for Ataxia-telangiectasia syndrome. Last evaluated: 2024-12-12. Review status: criteria provided, single submitter. Criteria: Invitae Variant Classification Sherloc (09022015). Collection method: clinical testing. Allele origin: germline.
Comment: This sequence change replaces phenylalanine, which is neutral and non-polar, with leucine, which is neutral and non-polar, at codon 1491 of the ATM protein (p.Phe1491Leu). This variant is present in population databases (rs587781944, gnomAD 0.01%). This variant has not been reported in the literature in individuals affected with ATM-related conditions. ClinVar contains an entry for this variant (Variation ID: 141696). Invitae Evidence Modeling of protein sequence and biophysical properties (such as structural, functional, and spatial information, amino acid conservation, physicochemical variation, residue mobility, and thermodynamic stability) indicates that this missense variant is not expected to disrupt ATM protein function with a negative predictive value of 95%. In summary, the available evidence is currently insufficient to determine the role of this variant in disease. Therefore, it has been classified as a Variant of Uncertain Significance.

Color Diagnostics, LLC DBA Color Health
Classification: Uncertain significance for Hereditary cancer-predisposing syndrome. Last evaluated: 2023-12-05. Review status: criteria provided, single submitter. Criteria: ACMG Guidelines, 2015. Collection method: clinical testing. Allele origin: germline.
Comment: This missense variant replaces phenylalanine with leucine at codon 1491 of the ATM protein. Computational prediction suggests that this variant may not impact protein structure and function (internally defined REVEL score threshold <= 0.5, PMID: 27666373). To our knowledge, functional studies have not been reported for this variant. This variant has not been reported in individuals affected with ATM-related disorders in the literature. This variant has been identified in 1/31378 chromosomes in the general population by the Genome Aggregation Database (gnomAD). The available evidence is insufficient to determine the role of this variant in disease conclusively. Therefore, this variant is classified as a Variant of Uncertain Significance.

Baylor Genetics
Classification: Uncertain significance for Familial cancer of breast. Last evaluated: 2023-05-30. Review status: criteria provided, single submitter. Criteria: ACMG Guidelines, 2015. Collection method: clinical testing. Allele origin: unknown.

GeneDx
Classification: Uncertain significance. Last evaluated: 2023-05-26. Review status: criteria provided, single submitter. Criteria: GeneDx Variant Classification Process June 2021. Collection method: clinical testing. Allele origin: germline. Affected: yes.
Comment: Not observed at significant frequency in large population cohorts (gnomAD); In silico analysis supports that this missense variant does not alter protein structure/function; Has not been previously published as pathogenic or benign to our knowledge

Department of Pathology and Laboratory Medicine, Sinai Health System
Classification: Uncertain significance for Familial colorectal cancer type X. Last evaluated: 2023-03-14. Review status: criteria provided, single submitter. Criteria: ACMG Guidelines, 2015. Collection method: clinical testing. Allele origin: germline. Affected: yes.

Fulgent Genetics
Classification: Uncertain significance for Familial cancer of breast; Ataxia-telangiectasia syndrome. Last evaluated: 2022-04-07. Review status: criteria provided, single submitter. Criteria: ACMG Guidelines, 2015. Collection method: clinical testing. Allele origin: unknown.

Natera, Inc.
Classification: Uncertain significance for Ataxia-telangiectasia. Last evaluated: 2020-04-17. Review status: no assertion criteria provided. Collection method: clinical testing. Allele origin: germline. Not counted in ClinVar's aggregate classification.

NM_000051.4(ATM):c.4471T>C (p.Phe1491Leu)

Gene: ATM (ATM serine/threonine kinase; plus strand). Cytogenetic location: 11q22.3.
Variant type: single nucleotide variant.
Coding change: c.4471T>C on transcript NM_000051.4 (MANE Select); coding-DNA position 4471, T replaced by C.
Protein change: p.Phe1491Leu; replaces phenylalanine 1491 with leucine.
Molecular consequence: missense variant.
Genome position (GRCh38, 1-based): chr11:108,292,653, T>C. VCF-style: chr11-108292653-T-C. GRCh37 (hg19) VCF-style: chr11-108163380-T-C.
Other names: c.4471T>C, p.Phe1491Leu (NM_001351834.2); short protein forms F1491L.
Identifiers: ClinVar variation 141696 (VCV000141696.25), dbSNP rs587781944, ClinGen allele CA166160.